The following is an entry in ClinVar:

ClinVar aggregate classification (germline): Uncertain significance (1 of 4 stars; one submission).

Conditions:
Rhabdoid tumor predisposition syndrome 2 (RTPS2). Identifiers: Orphanet 231108, Orphanet 69077, MedGen C2750074, MONDO:0013224, OMIM 613325.

Submission:

Labcorp Genetics (formerly Invitae), Labcorp
Classification: Uncertain significance for Rhabdoid tumor predisposition syndrome 2. Last evaluated: 2023-03-21. Review status: criteria provided, single submitter. Criteria: Invitae Variant Classification Sherloc (09022015). Collection method: clinical testing. Allele origin: germline.
Comment: This sequence change replaces threonine, which is neutral and polar, with isoleucine, which is neutral and non-polar, at codon 1034 of the SMARCA4 protein (p.Thr1034Ile). Information on the frequency of this variant in the gnomAD database is not available, as this variant may be reported differently in the database. This variant has not been reported in the literature in individuals affected with SMARCA4-related conditions. An algorithm developed to predict the effect of missense changes on protein structure and function (PolyPhen-2) suggests that this variant is likely to be tolerated. In summary, the available evidence is currently insufficient to determine the role of this variant in disease. Therefore, it has been classified as a Variant of Uncertain Significance.

NM_003072.5(SMARCA4):c.3101_3102delinsTT (p.Thr1034Ile)

Gene: SMARCA4 (SWI/SNF related BAF chromatin remodeling complex subunit ATPase 4; plus strand). Cytogenetic location: 19p13.2.
Variant type: Indel.
Coding change: c.3101_3102delinsTT on transcript NM_003072.5 (MANE Select); coding-DNA positions 3101 to 3102, CC replaced by TT.
Protein change: p.Thr1034Ile; replaces threonine 1034 with isoleucine.
Molecular consequence: missense variant. On other transcripts: non-coding transcript variant (1).
Genome position (GRCh38, 1-based): chr19:11,025,441-11,025,442, CC replaced by TT. VCF-style: chr19-11025441-CC-TT. GRCh37 (hg19) VCF-style: chr19-11136117-CC-TT.
Other names: c.3101_3102delinsTT, p.Thr1034Ile (NM_001128844.3, NM_001128845.2, NM_001128846.2 and 6 more transcripts); short protein forms T1034I.
Identifiers: ClinVar variation 2848008 (VCV002848008.3), dbSNP rs2515027865, ClinGen allele CA2739276478.